The following is an entry in ClinVar:

ClinVar aggregate classification (germline): Uncertain significance. Review status: criteria provided, multiple submitters, no conflicts (2 of 4 stars). 3 submissions from 3 submitters: Uncertain significance (3). Last evaluated 2025-09-21.

Conditions:
Hereditary cancer-predisposing syndrome. Also called: Neoplastic Syndromes, Hereditary; Tumor predisposition; Hereditary neoplastic syndrome; Hereditary Cancer Syndrome. Identifiers: Orphanet 140162, MedGen C0027672, MeSH D009386, MONDO:0015356.

Submissions (3):

Labcorp Genetics (formerly Invitae), Labcorp
Classification: Uncertain significance. Last evaluated: 2025-09-21. Review status: criteria provided, single submitter. Criteria: Invitae Variant Classification Sherloc (09022015). Collection method: clinical testing. Allele origin: germline.
Comment: This sequence change replaces alanine, which is neutral and non-polar, with threonine, which is neutral and polar, at codon 1312 of the POLE protein (p.Ala1312Thr). This variant is not present in population databases (gnomAD no frequency). This variant has not been reported in the literature in individuals affected with POLE-related conditions. ClinVar contains an entry for this variant (Variation ID: 580363). Invitae Evidence Modeling of protein sequence and biophysical properties (such as structural, functional, and spatial information, amino acid conservation, physicochemical variation, residue mobility, and thermodynamic stability) indicates that this missense variant is not expected to disrupt POLE protein function with a negative predictive value of 80%. In summary, the available evidence is currently insufficient to determine the role of this variant in disease. Therefore, it has been classified as a Variant of Uncertain Significance.

Ambry Genetics
Classification: Uncertain significance for Hereditary cancer-predisposing syndrome. Last evaluated: 2025-08-05. Review status: criteria provided, single submitter. Criteria: Ambry Variant Classification Scheme 2023. Collection method: clinical testing. Allele origin: germline.
Comment: The p.A1312T variant (also known as c.3934G>A), located in coding exon 31 of the POLE gene, results from a G to A substitution at nucleotide position 3934. The alanine at codon 1312 is replaced by threonine, an amino acid with similar properties. This amino acid position is conserved. In addition, this alteration is predicted to be tolerated by in silico analysis. Since supporting evidence is limited at this time, the clinical significance of this alteration remains unclear.

GeneDx
Classification: Uncertain significance. Last evaluated: 2020-09-15. Review status: criteria provided, single submitter. Criteria: GeneDx Variant Classification Process June 2021. Collection method: clinical testing. Allele origin: germline. Affected: yes.
Comment: Not observed in large population cohorts (Lek et al., 2016); In silico analysis supports that this missense variant does not alter protein structure/function; Has not been previously published as pathogenic or benign to our knowledge

NM_006231.4(POLE):c.3934G>A (p.Ala1312Thr)

Gene: POLE (DNA polymerase epsilon, catalytic subunit; minus strand). Cytogenetic location: 12q24.33.
Variant type: single nucleotide variant.
Coding change: c.3934G>A on transcript NM_006231.4 (MANE Select); coding-DNA position 3934, G replaced by A.
Protein change: p.Ala1312Thr; replaces alanine 1312 with threonine.
Molecular consequence: missense variant.
Genome position (GRCh38, 1-based): chr12:132,649,377, C>T on the plus strand (G>A on the coding strand, the complement: POLE is on the minus strand). VCF-style: chr12-132649377-C-T. GRCh37 (hg19) VCF-style: chr12-133225963-C-T.
Other names: c.3934G>A (NM_006231.2); short protein forms A1312T.
Identifiers: ClinVar variation 580363 (VCV000580363.12), dbSNP rs1565945759, ClinGen allele CA387385037.
Genomic context (GRCh38, chr12:132,649,377, plus strand): 5'-GCCACGGAAGGTCCAGGATGCTGCGGGCAGTTCTTCGCAAGAAGCTCCCCAGCCCCGTGG[C>T]AGGACCATCCCGGATGGCCCCGGGCCTGAGCACACCCTCTGCCGACTCCAGACGCTGCCT-3'
Protein context (NP_006222.2, residues 1302-1322): LRPGAIRDGP[Ala1312Thr]TGLGSFLRRT